The following is an entry in ClinVar:

ClinVar aggregate classification (germline): Uncertain significance (1 of 4 stars; one submission).

Allele frequency attached by ClinVar (database versions not stated): gnomAD 0.00001; gnomAD exomes 0.00001; TOPMed 0.00001; ExAC 0.00004; ESP Exome Variant Server 0.00008.
gnomAD v4.1: 21 of 1,560,542 alleles (0.0013%); highest among the groups gnomAD compares: Non-Finnish European, 0.0017%; no homozygotes.

Submission:

Labcorp Genetics (formerly Invitae), Labcorp
Classification: Uncertain significance. Last evaluated: 2022-08-15. Review status: criteria provided, single submitter. Criteria: Invitae Variant Classification Sherloc (09022015). Collection method: clinical testing. Allele origin: germline.
Comment: This sequence change falls in intron 1 of the RELA gene. It does not directly change the encoded amino acid sequence of the RELA protein. The frequency data for this variant in the population databases is considered unreliable, as metrics indicate poor data quality at this position in the gnomAD database. This variant has not been reported in the literature in individuals affected with RELA-related conditions. Algorithms developed to predict the effect of sequence changes on RNA splicing suggest that this variant may disrupt the consensus splice site. In summary, the available evidence is currently insufficient to determine the role of this variant in disease. Therefore, it has been classified as a Variant of Uncertain Significance.

NM_021975.4(RELA):c.8-13C>T

Gene: RELA (RELA proto-oncogene, NF-kB subunit; minus strand). Cytogenetic location: 11q13.1.
Variant type: single nucleotide variant.
Coding change: c.8-13C>T on transcript NM_021975.4 (MANE Select); 13 bases into the intron before coding-DNA position 8, C replaced by T.
Molecular consequence: intron variant.
Genome position (GRCh38, 1-based): chr11:65,662,218, G>A on the plus strand (C>T on the coding strand, the complement: RELA is on the minus strand). VCF-style: chr11-65662218-G-A. GRCh37 (hg19) VCF-style: chr11-65429689-G-A.
Other names: c.-99C>T (NM_001404663.1); c.8-13C>T (NM_001145138.2, NM_001243984.2, NM_001243985.2).
Identifiers: ClinVar variation 1958431 (VCV001958431.5), dbSNP rs377092614, ClinGen allele CA6107012.
Genomic context (GRCh38, chr11:65,662,218, plus strand): 5'-ACCGCCGCGGGGGCCACTTACCTGCCGGGAAGATGAGGGGGAACAGTTCTGAAAGGGGAG[G>A]GAGATCAGGGTCAGCACACACCCAATGCCCATTCTCACAAGGAGGAATCTGCTCTCCACG-3'